The following is an entry in ClinVar:

NM_004655.4(AXIN2):c.1543C>T (p.His515Tyr)

Gene: AXIN2 (axin 2; minus strand). Cytogenetic location: 17q24.1.
Variant type: single nucleotide variant.
Coding change: c.1543C>T on transcript NM_004655.4 (MANE Select); coding-DNA position 1543, C replaced by T.
Protein change: p.His515Tyr; replaces histidine 515 with tyrosine.
Molecular consequence: missense variant.
Genome position (GRCh38, 1-based): chr17:65,537,493, G>A on the plus strand (C>T on the coding strand, the complement: AXIN2 is on the minus strand). VCF-style: chr17-65537493-G-A. GRCh37 (hg19) VCF-style: chr17-63533611-G-A.
Other names: c.1543C>T, p.His515Tyr (NM_001363813.1); short protein forms H515Y.
Identifiers: ClinVar variation 950852 (VCV000950852.13), dbSNP rs1274418296, ClinGen allele CA400677298.

ClinVar aggregate classification (germline): Uncertain significance. Review status: criteria provided, multiple submitters, no conflicts (2 of 4 stars). 4 submissions from 4 submitters: Uncertain significance (4). Last evaluated 2025-12-16.

Conditions:
Colorectal cancer. Also called: Colorectal cancer, somatic; Malignant Colorectal Neoplasm. Identifiers: MedGen C0346629, MONDO:0005575, OMIM 114500.
Hereditary cancer-predisposing syndrome. Also called: Tumor predisposition; Hereditary neoplastic syndrome; Neoplastic Syndromes, Hereditary; Hereditary Cancer Syndrome. Identifiers: Orphanet 140162, MedGen C0027672, MeSH D009386, MONDO:0015356.
Oligodontia-cancer predisposition syndrome. Also called: TOOTH AGENESIS-COLORECTAL CANCER SYNDROME. Identifiers: Orphanet 300576, MedGen C1837750, MONDO:0012075, OMIM 608615. Disease mechanism: loss of function.

Allele frequency attached by ClinVar (database versions not stated): gnomAD exomes below 0.00001; TOPMed 0.00002; gnomAD 0.00003 and 0.00004.
gnomAD v4.1: 8 of 1,613,752 alleles (0.0005%); highest among the groups gnomAD compares: African/African-American, 0.008%; no homozygotes.

Submissions (4):

Labcorp Genetics (formerly Invitae), Labcorp
Classification: Uncertain significance for Oligodontia-cancer predisposition syndrome. Last evaluated: 2025-12-16. Review status: criteria provided, single submitter. Criteria: Invitae Variant Classification Sherloc (09022015). Collection method: clinical testing. Allele origin: germline.
Comment: This sequence change replaces histidine, which is basic and polar, with tyrosine, which is neutral and polar, at codon 515 of the AXIN2 protein (p.His515Tyr). This variant is present in population databases (no rsID available, gnomAD 0.01%). This variant has not been reported in the literature in individuals affected with AXIN2-related conditions. ClinVar contains an entry for this variant (Variation ID: 950852). Invitae Evidence Modeling of protein sequence and biophysical properties (such as structural, functional, and spatial information, amino acid conservation, physicochemical variation, residue mobility, and thermodynamic stability) indicates that this missense variant is not expected to disrupt AXIN2 protein function with a negative predictive value of 80%. In summary, the available evidence is currently insufficient to determine the role of this variant in disease. Therefore, it has been classified as a Variant of Uncertain Significance.

Ambry Genetics
Classification: Uncertain significance for Hereditary cancer-predisposing syndrome. Last evaluated: 2024-06-27. Review status: criteria provided, single submitter. Criteria: Ambry Variant Classification Scheme 2023. Collection method: clinical testing. Allele origin: germline.
Comment: The p.H515Y variant (also known as c.1543C>T), located in coding exon 5 of the AXIN2 gene, results from a C to T substitution at nucleotide position 1543. The histidine at codon 515 is replaced by tyrosine, an amino acid with similar properties. This amino acid position is well conserved in available vertebrate species. In addition, this alteration is predicted to be tolerated by in silico analysis. Since supporting evidence is limited at this time, the clinical significance of this alteration remains unclear.

Baylor Genetics
Classification: Uncertain significance for Colorectal cancer. Last evaluated: 2024-03-05. Review status: criteria provided, single submitter. Criteria: ACMG Guidelines, 2015. Collection method: clinical testing. Allele origin: unknown.

GeneDx
Classification: Uncertain significance. Last evaluated: 2023-12-22. Review status: criteria provided, single submitter. Criteria: GeneDx Variant Classification Process June 2021. Collection method: clinical testing. Allele origin: germline. Affected: yes.
Comment: Not observed at significant frequency in large population cohorts (gnomAD); In silico analysis supports that this missense variant does not alter protein structure/function; Has not been previously published as pathogenic or benign to our knowledge